The following is an entry in ClinVar:

NM_001282860.2(GON4L):c.3276C>G (p.Leu1092=)

Gene: GON4L (gon-4 like; minus strand). Cytogenetic location: 1q22.
Variant type: single nucleotide variant.
Coding change: c.3276C>G on transcript NM_001282860.2 (MANE Select); coding-DNA position 3276, C replaced by G.
Protein change: p.Leu1092=; no amino-acid change (leucine 1092 retained).
Molecular consequence: synonymous variant.
Genome position (GRCh38, 1-based): chr1:155,766,197, G>C on the plus strand (C>G on the coding strand, the complement: GON4L is on the minus strand). VCF-style: chr1-155766197-G-C. GRCh37 (hg19) VCF-style: chr1-155735988-G-C.
Other names: c.3276C>G, p.Leu1092= (NM_001282856.2, NM_001282858.2, NM_001282861.2 and 1 more transcripts).
Identifiers: ClinVar variation 3033605 (VCV003033605.2), dbSNP rs144768837, ClinGen allele CA1150642.

ClinVar aggregate classification (germline): Likely benign (0 of 4 stars; one submission).

Conditions:
GON4L-related disorder. Also called: GON4L-related condition.

Allele frequency attached by ClinVar (database versions not stated): ExAC 0.00044; 1000 Genomes Project 30x 0.00078; 1000 Genomes Project 0.00080; ESP Exome Variant Server 0.00092; gnomAD 0.00126; TOPMed 0.00151.
gnomAD v4.1: 361 of 1,614,136 alleles (0.022%); highest among the groups gnomAD compares: African/African-American, 0.41%; no homozygotes.

Submission:

PreventionGenetics, part of Exact Sciences
Classification: Likely benign for GON4L-related condition. Last evaluated: 2019-04-05. Review status: no assertion criteria provided. Collection method: clinical testing. Allele origin: germline.
Comment: This variant is classified as likely benign based on ACMG/AMP sequence variant interpretation guidelines (Richards et al. 2015 PMID: 25741868, with internal and published modifications).